The following is an entry in ClinVar:

NM_000051.4(ATM):c.5346dup (p.Glu1783fs)

Gene: ATM (ATM serine/threonine kinase; plus strand). Cytogenetic location: 11q22.3.
Variant type: Duplication.
Coding change: c.5346dup on transcript NM_000051.4 (MANE Select); coding-DNA position 5346, one base duplicated (A; older notation c.5346dupA).
Protein change: p.Glu1783fs; shifts the reading frame from glutamic acid 1783.
Molecular consequence: frameshift variant.
Genome position (GRCh38, 1-based): chr11:108,302,879, A duplicated; the last of 3 consecutive A bases (chr11:108,302,877-108,302,879); duplicating any one gives the same sequence. VCF-style (leftmost placement, unchanged base first): chr11-108302876-C-CA. GRCh37 (hg19) VCF-style: chr11-108173603-C-CA.
Other names: c.5346dup, p.Glu1783fs (NM_001351834.2); short protein forms E1783fs.
Identifiers: ClinVar variation 1359688 (VCV001359688.9), dbSNP rs2135927478, ClinGen allele CA2573146594.
Genomic context (GRCh38, chr11:108,302,876, plus strand): 5'-TTCTCTTATTTACATTTTCTAATCCCTTTCTTTCTAGTTTTTAGAAGTACCCAGATTTGA[C>CA]AAAGAAAACCCTTTTGAAGGCCTGGATGATATAAATCTGTGGATTCCTCTAAGTGAAAAT-3'

ClinVar aggregate classification (germline): Pathogenic. Review status: criteria provided, multiple submitters, no conflicts (2 of 4 stars). 3 submissions from 3 submitters: Pathogenic (3). Last evaluated 2025-04-18.

Conditions:
Hereditary cancer-predisposing syndrome. Also called: Hereditary Cancer Syndrome; Hereditary neoplastic syndrome; Tumor predisposition; Neoplastic Syndromes, Hereditary. Identifiers: Orphanet 140162, MedGen C0027672, MeSH D009386, MONDO:0015356.
Ataxia-telangiectasia syndrome (AT). Also called: ATAXIA-TELANGIECTASIA, COMPLEMENTATION GROUP A; ATAXIA-TELANGIECTASIA, FRESNO VARIANT; Ataxia-telangiectasia; Ataxia-telangiectasia, complementation group D; Ataxia-telangiectasia, complementation group E; Ataxia telangiectasia (A-T). Identifiers: Orphanet 100, MedGen C0004135, MONDO:0008840, OMIM 208900.
Familial cancer of breast. Also called: BREAST CANCER, FAMILIAL; hereditary breast carcinoma; Hereditary breast cancer. Identifiers: Orphanet 227535, MedGen C0346153, MONDO:0016419, OMIM 114480. Disease mechanism: loss of function.

Submissions (3):

Labcorp Genetics (formerly Invitae), Labcorp
Classification: Pathogenic for Ataxia-telangiectasia syndrome. Last evaluated: 2025-04-18. Review status: criteria provided, single submitter. Criteria: Invitae Variant Classification Sherloc (09022015). Collection method: clinical testing. Allele origin: germline.
Comment: This sequence change creates a premature translational stop signal (p.Glu1783Argfs*5) in the ATM gene. It is expected to result in an absent or disrupted protein product. Loss-of-function variants in ATM are known to be pathogenic (PMID: 23807571, 25614872). This variant is not present in population databases (gnomAD no frequency). This variant has not been reported in the literature in individuals affected with ATM-related conditions. ClinVar contains an entry for this variant (Variation ID: 1359688). For these reasons, this variant has been classified as Pathogenic.

Ambry Genetics
Classification: Pathogenic for Hereditary cancer-predisposing syndrome. Last evaluated: 2025-01-08. Review status: criteria provided, single submitter. Criteria: Ambry Variant Classification Scheme 2023. Collection method: clinical testing. Allele origin: germline.
Comment: The c.5346dupA pathogenic mutation, located in coding exon 35 of the ATM gene, results from a duplication of A at nucleotide position 5346, causing a translational frameshift with a predicted alternate stop codon (p.E1783Rfs*5). This variant is considered to be rare based on population cohorts in the Genome Aggregation Database (gnomAD). In addition to the clinical data presented in the literature, this alteration is expected to result in loss of function by premature protein truncation or nonsense-mediated mRNA decay. As such, this alteration is interpreted as a disease-causing mutation.

Myriad Genetics, Inc.
Classification: Pathogenic for Familial cancer of breast. Last evaluated: 2024-01-25. Review status: criteria provided, single submitter. Criteria: Myriad Autosomal Dominant, Autosomal Recessive and X-Linked Classification Criteria (2023). Collection method: clinical testing. Allele origin: unknown.
Comment: This variant is considered pathogenic. This variant creates a frameshift predicted to result in premature protein truncation.

Literature cited by the submitters: PubMed 23807571 (cited by Labcorp Genetics (formerly Invitae), Labcorp); PubMed 25614872 (cited by Labcorp Genetics (formerly Invitae), Labcorp); PubMed 33376610 (cited by Ambry Genetics).